The following is an entry in ClinVar:

NM_025179.4(PLXNA2):c.1783G>A (p.Ala595Thr)

Gene: PLXNA2 (plexin A2; minus strand). Cytogenetic location: 1q32.2.
Variant type: single nucleotide variant.
Coding change: c.1783G>A on transcript NM_025179.4 (MANE Select); coding-DNA position 1783, G replaced by A.
Protein change: p.Ala595Thr; replaces alanine 595 with threonine.
Molecular consequence: missense variant.
Genome position (GRCh38, 1-based): chr1:208,096,832, C>T on the plus strand (G>A on the coding strand, the complement: PLXNA2 is on the minus strand). VCF-style: chr1-208096832-C-T. GRCh37 (hg19) VCF-style: chr1-208270177-C-T.
Other names: c.1783G>A (NM_025179.3); short protein forms A595T.
Identifiers: ClinVar variation 1597056 (VCV001597056.10), dbSNP rs139288752, ClinGen allele CA1373719.
Genomic context (GRCh38, chr1:208,096,832, plus strand): 5'-AGATGCAGATGACCTGGCTCCCGGACACCTGCCCCTCCACCTCTGTCAGGTTCCCAAAGG[C>T]ACAGGCGATACCCGCAGATAGATCAGGAGCATCACTCACTACCAGGCTAAGCTGTGGGAG-3'
Protein context (NP_079455.3, residues 585-605): APDLSAGIAC[Ala595Thr]FGNLTEVEGQ

ClinVar aggregate classification (germline): Likely benign. Review status: criteria provided, single submitter (1 of 4 stars). 2 submissions from 2 submitters: Likely benign (1). 1 of the submissions does not count toward it. Last evaluated 2025-05-06.

Conditions:
PLXNA2-related disorder. Also called: PLXNA2-related condition.

Allele frequency attached by ClinVar (database versions not stated): gnomAD exomes 0.00011 and 0.00029; ExAC 0.00043; 1000 Genomes Project 30x 0.00125; TOPMed 0.00138; gnomAD 0.00139 and 0.00148; 1000 Genomes Project 0.00140; ESP Exome Variant Server 0.00169.

Submissions (2):

Labcorp Genetics (formerly Invitae), Labcorp
Classification: Likely benign. Last evaluated: 2025-05-06. Review status: criteria provided, single submitter. Criteria: Invitae Variant Classification Sherloc (09022015). Collection method: clinical testing. Allele origin: germline.

PreventionGenetics, part of Exact Sciences
Classification: Likely benign for PLXNA2-related condition. Last evaluated: 2021-08-09. Review status: no assertion criteria provided. Collection method: clinical testing. Allele origin: germline. Not counted in ClinVar's aggregate classification.
Comment: This variant is classified as likely benign based on ACMG/AMP sequence variant interpretation guidelines (Richards et al. 2015 PMID: 25741868, with internal and published modifications).